The following is an entry in ClinVar:

NM_032888.4(COL27A1):c.3556-2A>G

Gene: COL27A1 (collagen type XXVII alpha 1 chain; plus strand). Cytogenetic location: 9q32.
Variant type: single nucleotide variant.
Coding change: c.3556-2A>G on transcript NM_032888.4 (MANE Select); the canonical splice acceptor site of the intron before coding-DNA position 3556, A replaced by G.
Molecular consequence: splice acceptor variant.
Genome position (GRCh38, 1-based): chr9:114,270,726, A>G. VCF-style: chr9-114270726-A-G. GRCh37 (hg19) VCF-style: chr9-117033006-A-G.
Other names: IVS35AS, A-G, -2; c.3556-2A>G (NM_032888.2).
Identifiers: ClinVar variation 559511 (VCV000559511.3), dbSNP rs1554821679, ClinGen allele CA374597692.

ClinVar aggregate classification (germline): Pathogenic. Review status: criteria provided, single submitter (1 of 4 stars). 2 submissions from 2 submitters: Pathogenic (1). 1 of the submissions does not count toward it. Last evaluated 2024-10-04.

Conditions:
Steel syndrome (STLS). Identifiers: Orphanet 438117, MedGen C3554594, MONDO:0014061, OMIM 615155.

Submissions (2):

Dubai Health Genomic Medicine Center, Dubai Health
Classification: Pathogenic for Steel syndrome. Last evaluated: 2024-10-04. Review status: criteria provided, single submitter. Criteria: ACMG Guidelines, 2015. Collection method: research. Allele origin: germline. Affected: yes.
Comment: PVS1,PM2

OMIM
Classification: Pathogenic for STEEL SYNDROME. Last evaluated: 2018-08-10. Review status: no assertion criteria provided. Collection method: literature only. Allele origin: germline. Not counted in ClinVar's aggregate classification.

Literature cited by the submitters: PubMed 28322503 (cited by OMIM).